The following is an entry in ClinVar:

ClinVar aggregate classification (germline): Pathogenic. Review status: criteria provided, multiple submitters, no conflicts (2 of 4 stars). 3 submissions from 3 submitters: Pathogenic (3). Last evaluated 2026-07-31.

Conditions:
Multiple endocrine neoplasia, type 1 (MEN1). Also called: MEA I; MEN I; WERMER SYNDROME; Endocrine adenomatosis multiple; MEN 1. Identifiers: Orphanet 652, MedGen C0025267, MeSH D018761, MONDO:0007540, OMIM 131100.
Hereditary cancer-predisposing syndrome. Also called: Tumor predisposition; Hereditary Cancer Syndrome; Hereditary neoplastic syndrome; Neoplastic Syndromes, Hereditary. Identifiers: Orphanet 140162, MedGen C0027672, MeSH D009386, MONDO:0015356.

Submissions (3):

Ambry Genetics
Classification: Pathogenic for Hereditary cancer-predisposing syndrome. Last evaluated: 2026-07-31. Review status: criteria provided, single submitter. Criteria: Ambry Variant Classification Scheme 2023. Collection method: clinical testing. Allele origin: germline.
Comment: The p.Q96* pathogenic mutation (also known as c.286C>T), located in coding exon 1 of the MEN1 gene, results from a C to T substitution at nucleotide position 286. This changes the amino acid from a glutamine to a stop codon within coding exon 1. This variant was reported in individual(s) with features consistent with multiple endocrine neoplasia type 1 (MEN1) (Giraud S et al. Am J Hum Genet, 1998 Aug;63:455-67; Fainstein-Day P et al. Medicina (B Aires), 2024;84:433-444; Ambry internal data). This variant is considered to be rare based on population cohorts in the Genome Aggregation Database (gnomAD). This alteration is expected to result in loss of function by premature protein truncation or nonsense-mediated mRNA decay. As such, this alteration is interpreted as a disease-causing mutation.

All of Us Research Program, National Institutes of Health
Classification: Pathogenic for Multiple endocrine neoplasia, type 1. Last evaluated: 2024-07-29. Review status: criteria provided, single submitter. Criteria: ACMG Guidelines, 2015. Collection method: clinical testing. Allele origin: germline. Inheritance: Autosomal dominant inheritance. Observed: 1 variant allele, 1 heterozygote.
Comment: This variant changes 1 nucleotide in exon 2/10 of the MEN1 gene, creating a premature translation stop signal. This variant is expected to result in an absent or non-functional protein product. This variant has been reported in at least one individual affected with MEN1 (PMID: 9683585, 12112656), and two individuals affected with primary hyperparathyroidism and one also affected with prolactinoma (PMID: 28321559, 29036195). This variant has not been identified in the general population by the Genome Aggregation Database (gnomAD). Loss of MEN1 function is a known mechanism of disease. Based on the available evidence, this variant is classified as Pathogenic.

This study involves interpretation of variants in research participants for the purpose of population health screening. Participant phenotype was not available at the time of variant classification. Additional details can be found in publication PMID: 35346344, PMCID: PMC8962531

Labcorp Genetics (formerly Invitae), Labcorp
Classification: Pathogenic for Multiple endocrine neoplasia, type 1. Last evaluated: 2022-02-20. Review status: criteria provided, single submitter. Criteria: Invitae Variant Classification Sherloc (09022015). Collection method: clinical testing. Allele origin: germline.
Comment: For these reasons, this variant has been classified as Pathogenic. This premature translational stop signal has been observed in individual(s) with multiple endocrine neoplasia type 1 (PMID: 9683585, 29036195). This variant is not present in population databases (gnomAD no frequency). This sequence change creates a premature translational stop signal (p.Gln96*) in the MEN1 gene. It is expected to result in an absent or disrupted protein product. Loss-of-function variants in MEN1 are known to be pathogenic (PMID: 12112656, 17853334).

Literature cited by the submitters: PubMed 38907957 (cited by Ambry Genetics); PubMed 9683585 (cited by 3 submitters); PubMed 12112656 (cited by All of Us Research Program, National Institutes of Health and Labcorp Genetics (formerly Invitae), Labcorp); PubMed 28321559 (cited by All of Us Research Program, National Institutes of Health); PubMed 29036195 (cited by All of Us Research Program, National Institutes of Health and Labcorp Genetics (formerly Invitae), Labcorp); PubMed 17853334 (cited by Labcorp Genetics (formerly Invitae), Labcorp).

NM_001370259.2(MEN1):c.286C>T (p.Gln96Ter)

Gene: MEN1 (menin 1; minus strand). Cytogenetic location: 11q13.1.
Variant type: single nucleotide variant.
Coding change: c.286C>T on transcript NM_001370259.2 (MANE Select); coding-DNA position 286, C replaced by T.
Protein change: p.Gln96Ter; replaces glutamine 96 with a stop codon.
Molecular consequence: nonsense.
Genome position (GRCh38, 1-based): chr11:64,809,824, G>A on the plus strand (C>T on the coding strand, the complement: MEN1 is on the minus strand). VCF-style: chr11-64809824-G-A. GRCh37 (hg19) VCF-style: chr11-64577296-G-A.
Other names: c.286C>T, p.Gln96Ter (NM_001407150.1, NM_001407151.1, NM_001407152.1 and 20 more transcripts); short protein forms Q96*.
Identifiers: ClinVar variation 2137153 (VCV002137153.7), dbSNP rs2136186060, ClinGen allele CA381187481.